The following is an entry in ClinVar:

NM_004415.4(DSP):c.7121_7122delinsTT (p.Thr2374Ile)

Gene: DSP (desmoplakin; plus strand). Cytogenetic location: 6p24.3.
Variant type: Indel.
Coding change: c.7121_7122delinsTT on transcript NM_004415.4 (MANE Select); coding-DNA positions 7121 to 7122, CC replaced by TT.
Protein change: p.Thr2374Ile; replaces threonine 2374 with isoleucine.
Molecular consequence: missense variant.
Genome position (GRCh38, 1-based): chr6:7,584,383-7,584,384, CC replaced by TT. VCF-style: chr6-7584383-CC-TT. GRCh37 (hg19) VCF-style: chr6-7584616-CC-TT.
Other names: c.5324_5325delinsTT, p.Thr1775Ile (NM_001008844.3); c.5792_5793delinsTT, p.Thr1931Ile (NM_001319034.2); short protein forms T2374I, T1775I, T1931I.
Identifiers: ClinVar variation 1757278 (VCV001757278.2), dbSNP rs2533944036, ClinGen allele CA2580075352.

ClinVar aggregate classification (germline): Uncertain significance (1 of 4 stars; one submission).

Conditions:
Cardiovascular phenotype. Identifiers: MedGen CN230736.

Submission:

Ambry Genetics
Classification: Uncertain significance for Cardiovascular phenotype. Last evaluated: 2020-06-04. Review status: criteria provided, single submitter. Criteria: Ambry Variant Classification Scheme 2023. Collection method: clinical testing. Allele origin: germline.
Comment: The c.7121_7122delCCinsTT variant (also known as p.T2374I), located in coding exon 24 of the DSP gene, results from an in-frame deletion of CC and insertion of TT at nucleotide positions 7121 to 7122. This results in the substitution of the threonine residue for an isoleucine residue at codon 2374, an amino acid with similar properties. This amino acid position is well conserved in available vertebrate species. In addition, this alteration is predicted to be inconclusive by in silico analysis (Choi Y et al. PLoS ONE. 2012; 7(10):e46688). Since supporting evidence is limited at this time, the clinical significance of this alteration remains unclear.